The following is an entry in ClinVar:

ClinVar aggregate classification (germline): Uncertain significance (1 of 4 stars; one submission).

Conditions:
Colorectal cancer, hereditary nonpolyposis, type 7. Identifiers: Orphanet 144, MedGen C1858380, MONDO:0013725, OMIM 614385.

Submission:

Labcorp Genetics (formerly Invitae), Labcorp
Classification: Uncertain significance for Colorectal cancer, hereditary nonpolyposis, type 7. Last evaluated: 2020-11-21. Review status: criteria provided, single submitter. Criteria: Invitae Variant Classification Sherloc (09022015). Collection method: clinical testing. Allele origin: germline.
Comment: In summary, the available evidence is currently insufficient to determine the role of this variant in disease. Therefore, it has been classified as a Variant of Uncertain Significance. Algorithms developed to predict the effect of missense changes on protein structure and function (SIFT, PolyPhen-2, Align-GVGD) all suggest that this variant is likely to be tolerated, but these predictions have not been confirmed by published functional studies and their clinical significance is uncertain. This variant has not been reported in the literature in individuals with MLH3-related conditions. This variant is not present in population databases (ExAC no frequency). This sequence change replaces isoleucine with leucine at codon 278 of the MLH3 protein (p.Ile278Leu). The isoleucine residue is moderately conserved and there is a small physicochemical difference between isoleucine and leucine.

NM_001040108.2(MLH3):c.832A>T (p.Ile278Leu)

Gene: MLH3 (mutL homolog 3; minus strand). Cytogenetic location: 14q24.3.
Variant type: single nucleotide variant.
Coding change: c.832A>T on transcript NM_001040108.2 (MANE Select); coding-DNA position 832, A replaced by T.
Protein change: p.Ile278Leu; replaces isoleucine 278 with leucine.
Molecular consequence: missense variant.
Genome position (GRCh38, 1-based): chr14:75,048,824, T>A on the plus strand (A>T on the coding strand, the complement: MLH3 is on the minus strand). VCF-style: chr14-75048824-T-A. GRCh37 (hg19) VCF-style: chr14-75515527-T-A.
Other names: c.832A>T, p.Ile278Leu (NM_014381.3); short protein forms I278L.
Identifiers: ClinVar variation 1487045 (VCV001487045.8), dbSNP rs753294129, ClinGen allele CA390448942.